The following is an entry in ClinVar:

NM_000260.4(MYO7A):c.5533C>T (p.Pro1845Ser)

Gene: MYO7A (myosin VIIA; plus strand). Cytogenetic location: 11q13.5.
Variant type: single nucleotide variant.
Coding change: c.5533C>T on transcript NM_000260.4 (MANE Select); coding-DNA position 5533, C replaced by T.
Protein change: p.Pro1845Ser; replaces proline 1845 with serine.
Molecular consequence: missense variant.
Genome position (GRCh38, 1-based): chr11:77,205,514, C>T. VCF-style: chr11-77205514-C-T. GRCh37 (hg19) VCF-style: chr11-76916559-C-T.
Other names: c.5419C>T, p.Pro1807Ser (NM_001127180.2); c.5386C>T, p.Pro1796Ser (NM_001369365.1); short protein forms P1845S, P1807S, P1796S.
Identifiers: ClinVar variation 1432113 (VCV001432113.5), dbSNP rs1263043699, ClinGen allele CA381952948.

ClinVar aggregate classification (germline): Uncertain significance (1 of 4 stars; one submission).

Allele frequency attached by ClinVar (database versions not stated): gnomAD exomes below 0.00001.
gnomAD v4.1: 1 of 1,602,374 alleles (0.000062%); highest among the groups gnomAD compares: Non-Finnish European, 0.000085%; no homozygotes.

Submission:

Labcorp Genetics (formerly Invitae), Labcorp
Classification: Uncertain significance. Last evaluated: 2022-04-06. Review status: criteria provided, single submitter. Criteria: Invitae Variant Classification Sherloc (09022015). Collection method: clinical testing. Allele origin: germline.
Comment: This sequence change replaces proline, which is neutral and non-polar, with serine, which is neutral and polar, at codon 1845 of the MYO7A protein (p.Pro1845Ser). This variant is not present in population databases (gnomAD no frequency). This variant has not been reported in the literature in individuals affected with MYO7A-related conditions. Algorithms developed to predict the effect of missense changes on protein structure and function are either unavailable or do not agree on the potential impact of this missense change (SIFT: "Tolerated"; PolyPhen-2: "Probably Damaging"; Align-GVGD: "Class C0"). Algorithms developed to predict the effect of sequence changes on RNA splicing suggest that this variant may create or strengthen a splice site. In summary, the available evidence is currently insufficient to determine the role of this variant in disease. Therefore, it has been classified as a Variant of Uncertain Significance.